The following is an entry in ClinVar:

ClinVar aggregate classification (germline): Pathogenic (1 of 4 stars; one submission).

Conditions:
Ornithine carbamoyltransferase deficiency (OTCD). Also called: OTC DEFICIENCY; ORNITHINE TRANSCARBAMYLASE DEFICIENCY; ORNITHINE TRANSCARBAMYLASE DEFICIENCY, HYPERAMMONEMIA DUE TO; Ornithine Carbamoyltransferase Deficiency Disease. Identifiers: Orphanet 664, MedGen C0268542, MONDO:0010703, OMIM 311250.

Submission:

Labcorp Genetics (formerly Invitae), Labcorp
Classification: Pathogenic for Ornithine carbamoyltransferase deficiency. Last evaluated: 2021-03-24. Review status: criteria provided, single submitter. Criteria: Invitae Variant Classification Sherloc (09022015). Collection method: clinical testing. Allele origin: germline.
Comment: For these reasons, this variant has been classified as Pathogenic. This variant has not been reported in the literature in individuals with OTC-related conditions. This variant is a gross deletion of the genomic region encompassing exon(s) 3 of the OTC gene. This deletion is out-of-frame, and is expected to create a premature translational stop signal and result in an absent or disrupted protein product. Loss-of-function variants in OTC are known to be pathogenic (PMID: 10946359, 16786505).

Literature cited by the submitters: PubMed 10946359; PubMed 16786505.

NC_000023.10:g.(?_38229029)_(38229150_?)del

Gene: OTC (ornithine transcarbamylase; plus strand). Cytogenetic location: Xp11.4.
Variant type: Deletion.
Identifiers: ClinVar variation 1455073 (VCV001455073.7).